The following is an entry in ClinVar:

ClinVar aggregate classification (germline): Pathogenic. Review status: criteria provided, multiple submitters, no conflicts (2 of 4 stars). 10 submissions from 10 submitters: Pathogenic (8). 2 of the submissions do not count toward it. Last evaluated 2025-10-21.

Conditions:
HSD17B3-related disorder. Also called: HSD17B3-related condition.
Differences in sex development.
Pseudohermaphroditism. Identifiers: MedGen C0033804, MONDO:0005518.
Inborn genetic diseases. Identifiers: MedGen C0950123, MeSH D030342.
Testosterone 17-beta-dehydrogenase deficiency. Also called: 46,XY disorder of sex development due to 17-beta-hydroxysteroid dehydrogenase 3 deficiency; Pseudohermaphroditism male with gynecomastia; 17-beta hydroxysteroid dehydrogenase 3 deficiency; 17 alpha ketosteroid reductase deficiency of testis; 17 alpha KSR deficiency; Neutral 17 beta hydroxysteroid oxidoreductase deficiency. Identifiers: Orphanet 752, MedGen C0268296, MONDO:0009916, OMIM 264300. Disease mechanism: loss of function.

Allele frequency attached by ClinVar (database versions not stated): gnomAD 0.00003 and 0.00004; gnomAD exomes 0.00004 and 0.00007; TOPMed 0.00004; ExAC 0.00006; ESP Exome Variant Server 0.00023.
gnomAD v4.1: 109 of 1,593,724 alleles (0.0068%); highest among the groups gnomAD compares: Non-Finnish European, 0.0087%; no homozygotes.

Submissions (11):

NHS Central & South Genomic Laboratory Hub
Classification: Pathogenic for Differences in sex development. Last evaluated: 2025-10-21. Review status: criteria provided, single submitter. Criteria: ACMG Guidelines, 2015. Collection method: clinical testing. Allele origin: germline. Affected: yes.

Fulgent Genetics
Classification: Pathogenic for Testosterone 17-beta-dehydrogenase deficiency. Last evaluated: 2024-03-19. Review status: criteria provided, single submitter. Criteria: ACMG Guidelines, 2015. Collection method: clinical testing. Allele origin: germline.

Labcorp Genetics (formerly Invitae), Labcorp
Classification: Pathogenic. Last evaluated: 2024-02-22. Review status: criteria provided, single submitter. Criteria: Invitae Variant Classification Sherloc (09022015). Collection method: clinical testing. Allele origin: germline.
Comment: This sequence change affects an acceptor splice site in intron 3 of the HSD17B3 gene. It is expected to disrupt RNA splicing. Variants that disrupt the donor or acceptor splice site typically lead to a loss of protein function (PMID: 16199547), and loss-of-function variants in HSD17B3 are known to be pathogenic (PMID: 23796702, 25740850). This variant is present in population databases (rs149607031, gnomAD 0.009%). Disruption of this splice site has been observed in individuals with 17-beta-hydroxysteroid dehydrogenase type 3 deficiency (PMID: 8075637, 25740850, 27163392). This variant is also known as c.326-1G>C . ClinVar contains an entry for this variant (Variation ID: 492761). Algorithms developed to predict the effect of sequence changes on RNA splicing suggest that this variant may disrupt the consensus splice site. For these reasons, this variant has been classified as Pathogenic.

Department of Pathology and Laboratory Medicine, Sinai Health System
Classification: Pathogenic for Testosterone 17-beta-dehydrogenase deficiency. Last evaluated: 2023-04-06. Review status: criteria provided, single submitter. Criteria: ACMG Guidelines, 2015. Collection method: research. Allele origin: germline.

Blueprint Genetics
Classification: Pathogenic for HSD17B3-related disorders. Last evaluated: 2023-02-23. Review status: criteria provided, single submitter. Criteria: ACMG Guidelines, 2015. Collection method: clinical testing. Allele origin: germline. Affected: yes. Observed: 5 variant alleles.

Revvity Omics, Revvity
Classification: Pathogenic for Testosterone 17-beta-dehydrogenase deficiency. Last evaluated: 2021-07-11. Review status: criteria provided, single submitter. Criteria: ACMG Guidelines, 2015. Collection method: clinical testing. Allele origin: germline.

Genetic Services Laboratory, University of Chicago
Classification: Pathogenic. Last evaluated: 2020-09-28. Review status: criteria provided, single submitter. Criteria: ACMG Guidelines, 2015. Collection method: clinical testing. Allele origin: germline. Affected: yes.

Ambry Genetics
Classification: Pathogenic for Inborn genetic diseases. Last evaluated: 2015-07-31. Review status: criteria provided, single submitter. Criteria: Ambry exome assertion method (8-5-2015). Collection method: clinical testing. Allele origin: germline. Affected: yes. Observed: 1 variant allele.

Clinical Molecular Genetics Laboratory, Johns Hopkins All Children's Hospital
Classification: Pathogenic for Pseudohermaphroditism. Last evaluated: 2015-07-31. Review status: no assertion criteria provided. Collection method: clinical testing. Allele origin: germline. Affected: yes. Not counted in ClinVar's aggregate classification.

OMIM
Classification: Pathogenic for 17-BETA HYDROXYSTEROID DEHYDROGENASE III DEFICIENCY. Last evaluated: 1994-05-01. Review status: no assertion criteria provided. Collection method: literature only. Allele origin: germline. Not counted in ClinVar's aggregate classification.

Dr. Peter K. Rogan Lab, Western University
No classification provided (evidence only). Condition: Thyroid cancer, nonmedullary, 1. Review status: no classification provided. Collection method: in vitro. Allele origin: not applicable. Functional consequence: cryptic splice site, skipped exon. Not counted in ClinVar's aggregate classification.

Literature cited by the submitters: PubMed 16199547 (cited by Labcorp Genetics (formerly Invitae), Labcorp); PubMed 23796702 (cited by Labcorp Genetics (formerly Invitae), Labcorp); PubMed 25740850 (cited by Labcorp Genetics (formerly Invitae), Labcorp); PubMed 8075637 (cited by Labcorp Genetics (formerly Invitae), Labcorp and OMIM); PubMed 27163392 (cited by Labcorp Genetics (formerly Invitae), Labcorp).

NM_000197.2(HSD17B3):c.278-1G>C

Genes: HSD17B3 (hydroxysteroid 17-beta dehydrogenase 3; minus strand), SLC35D2-HSD17B3 (SLC35D2-HSD17B3 readthrough; minus strand). Cytogenetic location: 9q22.32.
Variant type: single nucleotide variant.
Coding change: c.278-1G>C on transcript NM_000197.2 (MANE Select); the canonical splice acceptor site of the intron before coding-DNA position 278, G replaced by C.
Molecular consequence: splice acceptor variant.
Genome position (GRCh38, 1-based): chr9:96,252,911, C>G on the plus strand (G>C on the coding strand, the complement: HSD17B3 is on the minus strand). VCF-style: chr9-96252911-C-G. GRCh37 (hg19) VCF-style: chr9-99015193-C-G.
Other names: IVS3AS, G-C, -1.
Identifiers: ClinVar variation 492761 (VCV000492761.23), dbSNP rs149607031, ClinGen allele CA5140463.